The following is an entry in ClinVar:

NM_014994.3(MAPKBP1):c.3830C>T (p.Ser1277Leu)

Gene: MAPKBP1 (mitogen-activated protein kinase binding protein 1; plus strand). Cytogenetic location: 15q15.1.
Variant type: single nucleotide variant.
Coding change: c.3830C>T on transcript NM_014994.3 (MANE Select); coding-DNA position 3830, C replaced by T.
Protein change: p.Ser1277Leu; replaces serine 1277 with leucine.
Molecular consequence: missense variant. On other transcripts: non-coding transcript variant (2), intron variant (1).
Genome position (GRCh38, 1-based): chr15:41,823,678, C>T. VCF-style: chr15-41823678-C-T. GRCh37 (hg19) VCF-style: chr15-42115876-C-T.
Other names: c.3848C>T, p.Ser1283Leu (NM_001128608.2); c.3382+672C>T (NM_001265611.2); short protein forms S1283L, S1277L.
Identifiers: ClinVar variation 1397307 (VCV001397307.7), dbSNP rs769499700, ClinGen allele CA7498674.

ClinVar aggregate classification (germline): Uncertain significance (1 of 4 stars; one submission).

Allele frequency attached by ClinVar (database versions not stated): ExAC 0.00001; gnomAD exomes 0.00001; TOPMed 0.00003; gnomAD 0.00005.
gnomAD v4.1: 22 of 1,614,072 alleles (0.0014%); highest among the groups gnomAD compares: African/African-American, 0.021%; no homozygotes.

Submission:

Labcorp Genetics (formerly Invitae), Labcorp
Classification: Uncertain significance. Last evaluated: 2022-08-09. Review status: criteria provided, single submitter. Criteria: Invitae Variant Classification Sherloc (09022015). Collection method: clinical testing. Allele origin: germline.
Comment: In summary, the available evidence is currently insufficient to determine the role of this variant in disease. Therefore, it has been classified as a Variant of Uncertain Significance. Algorithms developed to predict the effect of missense changes on protein structure and function output the following: SIFT: "Deleterious"; PolyPhen-2: "Benign"; Align-GVGD: "Class C0". The leucine amino acid residue is found in multiple mammalian species, which suggests that this missense change does not adversely affect protein function. ClinVar contains an entry for this variant (Variation ID: 1397307). This variant has not been reported in the literature in individuals affected with MAPKBP1-related conditions. This variant is present in population databases (rs769499700, gnomAD 0.02%). This sequence change replaces serine, which is neutral and polar, with leucine, which is neutral and non-polar, at codon 1283 of the MAPKBP1 protein (p.Ser1283Leu).